The following is an entry in ClinVar:

ClinVar aggregate classification (germline): Uncertain significance (1 of 4 stars; one submission).

Conditions:
Charcot-Marie-Tooth disease type 4. Also called: Charcot-Marie-Tooth, Type 4; Charcot-Marie-Tooth disease, type IV. Identifiers: Orphanet 64749, MedGen C4082197, MONDO:0018995.

Allele frequency attached by ClinVar (database versions not stated): TOPMed below 0.00001.

Submission:

Labcorp Genetics (formerly Invitae), Labcorp
Classification: Uncertain significance for Charcot-Marie-Tooth disease type 4. Last evaluated: 2022-07-25. Review status: criteria provided, single submitter. Criteria: Invitae Variant Classification Sherloc (09022015). Collection method: clinical testing. Allele origin: germline.
Comment: In summary, the available evidence is currently insufficient to determine the role of this variant in disease. Therefore, it has been classified as a Variant of Uncertain Significance. Algorithms developed to predict the effect of missense changes on protein structure and function (SIFT, PolyPhen-2, Align-GVGD) all suggest that this variant is likely to be disruptive. This variant has not been reported in the literature in individuals affected with FGD4-related conditions. This variant is not present in population databases (gnomAD no frequency). This sequence change replaces serine, which is neutral and polar, with proline, which is neutral and non-polar, at codon 244 of the FGD4 protein (p.Ser244Pro).

NM_001370298.3(FGD4):c.1141T>C (p.Ser381Pro)

Gene: FGD4 (FYVE, RhoGEF and PH domain containing 4; plus strand). Cytogenetic location: 12p11.21.
Variant type: single nucleotide variant.
Coding change: c.1141T>C on transcript NM_001370298.3 (MANE Select); coding-DNA position 1141, T replaced by C.
Protein change: p.Ser381Pro; replaces serine 381 with proline.
Molecular consequence: missense variant. On other transcripts: 5 prime UTR variant (2).
Genome position (GRCh38, 1-based): chr12:32,601,317, T>C. VCF-style: chr12-32601317-T-C. GRCh37 (hg19) VCF-style: chr12-32754251-T-C.
Other names: c.985T>C, p.Ser329Pro (NM_001304481.2); c.-15T>C (NM_001304483.2); c.-322T>C (NM_001304484.2); c.451T>C, p.Ser151Pro (NM_001330373.2, NM_001330374.2, NM_001384130.1); c.178T>C, p.Ser60Pro (NM_001370297.1); c.1141T>C, p.Ser381Pro (NM_001384126.1); c.730T>C, p.Ser244Pro (NM_001384127.1, NM_001384128.1, NM_001385118.1 and 1 more transcripts); short protein forms S244P, S151P, S329P, S381P, S60P.
Identifiers: ClinVar variation 1927411 (VCV001927411.5), dbSNP rs1193308588, ClinGen allele CA384358075.
Genomic context (GRCh38, chr12:32,601,317, plus strand): 5'-TTACATTATTCTTTTATTCAGGTATTTTATTGCAAACTGTTGGAAGAAGCAAACCGAGGC[T>C]CGTTTCCAGCAGAGATGGTGAATAAAATCTTTTCTAATATTTCATCAATAAATGCCTTCC-3'
Protein context (NP_001357227.2, residues 371-391): CKLLEEANRG[Ser381Pro]FPAEMVNKIF